The following is an entry in ClinVar:

ClinVar aggregate classification (germline): Pathogenic. Review status: criteria provided, single submitter (1 of 4 stars). 2 submissions from 1 submitter: Pathogenic (2). Last evaluated 2018-06-01.

Conditions:
Osteogenesis imperfecta type I (OI1). Also called: OI, TYPE I; OSTEOGENESIS IMPERFECTA TARDA; OSTEOGENESIS IMPERFECTA WITH BLUE SCLERAE; Lobstein's Disease; Classic Non-deforming Osteogenesis Imperfecta with Blue Sclerae; Lobstein disease. Identifiers: Orphanet 216796, Orphanet 666, MedGen C0023931, MONDO:0008146, OMIM 166200. Disease mechanism: loss of function.
Ehlers-Danlos syndrome, classic type, 1 (EDSCL1). Also called: Ehlers-Danlos Syndrome, Classic Type, COL5A1-Related; EDS I; Ehlers-Danlos syndrome, type 1; EHLERS-DANLOS SYNDROME, GRAVIS TYPE; EHLERS-DANLOS SYNDROME, SEVERE CLASSIC TYPE. Identifiers: MedGen C0268335, MONDO:0019567, OMIM 130000.
Ehlers-Danlos syndrome, classic type (cEDS). Identifiers: Orphanet 287, MedGen C4225429, MONDO:0007522.

Submissions (2):

Labcorp Genetics (formerly Invitae), Labcorp
Classification: Pathogenic for Osteogenesis imperfecta type I; Ehlers-Danlos syndrome, classic type. Last evaluated: 2018-06-01. Review status: criteria provided, single submitter. Criteria: Invitae Variant Classification Sherloc (09022015). Collection method: clinical testing. Allele origin: germline.
Comment: This sequence change is a complex rearrangement involving exons 13-17. Although the exact nature of the event is unknown, it is likely that it results in duplication of exons 13-17 that are inserted into intron 17 and within that duplication exons 13-15 are inverted. This is expected to result in an absent or disrupted protein product. For these reasons, this variant has been classified as Pathogenic.

Labcorp Genetics (formerly Invitae), Labcorp
Classification: Pathogenic for Osteogenesis imperfecta type I; Ehlers-Danlos syndrome, classic type, 1. Last evaluated: 2018-04-16. Review status: criteria provided, single submitter. Criteria: Invitae Variant Classification Sherloc (09022015). Collection method: clinical testing. Allele origin: germline.
Comment: the same text as in the submission from Labcorp Genetics (formerly Invitae), Labcorp above.

NC_000007.13:g.(?_94037139)_(94037712_?)dup

Gene: COL1A2 (collagen type I alpha 2 chain; plus strand). Cytogenetic location: 7q21.3.
Variant type: Duplication.
Identifiers: ClinVar variation 584403 (VCV000584403.10).